The following is an entry in ClinVar:

ClinVar aggregate classification (germline): Uncertain significance (1 of 4 stars; one submission).

Submission:

Labcorp Genetics (formerly Invitae), Labcorp
Classification: Uncertain significance. Last evaluated: 2025-03-18. Review status: criteria provided, single submitter. Criteria: Invitae Variant Classification Sherloc (09022015). Collection method: clinical testing. Allele origin: germline.
Comment: This variant, c.2578_2580del, results in the deletion of 1 amino acid(s) of the MTTP protein (p.Glu860del), but otherwise preserves the integrity of the reading frame. This variant is present in population databases (no rsID available, gnomAD 0.0009%). This variant has not been reported in the literature in individuals affected with MTTP-related conditions. Experimental studies and prediction algorithms are not available or were not evaluated, and the functional significance of this variant is currently unknown. In summary, the available evidence is currently insufficient to determine the role of this variant in disease. Therefore, it has been classified as a Variant of Uncertain Significance.

NM_001386140.1(MTTP):c.2578_2580del (p.Glu860del)

Gene: MTTP (microsomal triglyceride transfer protein; plus strand). Cytogenetic location: 4q23.
Variant type: Deletion.
Coding change: c.2578_2580del on transcript NM_001386140.1 (MANE Select); coding-DNA positions 2578 to 2580, 3 bases deleted (GAA; older notation c.2578_2580delGAA).
Protein change: p.Glu860del; deletes glutamic acid 860.
Molecular consequence: inframe deletion.
Genome position (GRCh38, 1-based): chr4:99,622,741-99,622,743, GAA deleted; deleting any 3 consecutive bases within chr4:99,622,739-99,622,743 gives the same sequence; the c. name uses the placement nearest the transcript's 3' end. VCF-style (leftmost placement, unchanged base first): chr4-99622738-AAAG-A. GRCh37 (hg19) VCF-style: chr4-100543895-AAAG-A.
Other names: c.2578_2580del, p.Glu860del (NM_000253.4); c.2329_2331del, p.Glu777del (NM_001300785.2); short protein forms E860del, E777del.
Identifiers: ClinVar variation 4715301 (VCV004715301.1).